The following is an entry in ClinVar:

NM_001251845.2(TRPC1):c.648A>G (p.Ile216Met)

Gene: TRPC1 (transient receptor potential cation channel subfamily C member 1; plus strand). Cytogenetic location: 3q23.
Variant type: single nucleotide variant.
Coding change: c.648A>G on transcript NM_001251845.2 (MANE Select); coding-DNA position 648, A replaced by G.
Protein change: p.Ile216Met; replaces isoleucine 216 with methionine.
Molecular consequence: missense variant. On other transcripts: intron variant (6).
Genome position (GRCh38, 1-based): chr3:142,777,647, A>G. VCF-style: chr3-142777647-A-G. GRCh37 (hg19) VCF-style: chr3-142496489-A-G.
Other names: c.498A>G, p.Ile166Met (NM_001413361.1); c.546A>G, p.Ile182Met (NM_001413363.1, NM_001413381.1, NM_003304.5); c.173-13372A>G (NM_001413383.1, NM_001413384.1); c.34-24522A>G (NM_001413386.1); c.354A>G, p.Ile118Met (NM_001413375.1, NM_001413378.1); c.396A>G, p.Ile132Met (NM_001413376.1); c.252A>G, p.Ile84Met (NM_001413377.1, NM_001413379.1, NM_001413382.1); c.531-3187A>G (NM_001413362.1); and 2 more; short protein forms I118M, I132M, I166M, I182M, I216M, I84M.
Identifiers: ClinVar variation 4082265 (VCV004082265.1).
Genomic context (GRCh38, chr3:142,777,647, plus strand): 5'-TGTGTATAAGTTTATTTTACATTATGGAATCCAATTTTATCACAGGTTTCGTCTTGATAT[A>G]TATCGATGTTTGGCCAGTCCAGCTCTAATAATGTTAACAGAGGAGGATCCAATTCTGAGA-3'
Protein context (NP_001238774.1, residues 206-226): SLRHSRFRLD[Ile216Met]YRCLASPALI

ClinVar aggregate classification (germline): Likely benign (1 of 4 stars; one submission).

Conditions:
Malignant hyperthermia, susceptibility to, 1 (MHS1). Also called: RYR1-Related Malignant Hyperthermia Susceptibility; Malignant hyperthermia suceptibility 1; Anesthesia related hyperthermia; Malignant hyperpyrexia; Fulminating hyperpyrexia; Pharmacogenic myopathy. Identifiers: Orphanet 423, MedGen C2930980, MONDO:0007783, OMIM 145600.

gnomAD v4.1: 519 of 1,603,890 alleles (0.032%); highest among the groups gnomAD compares: Non-Finnish European, 0.042%; no homozygotes.

Submission:

Leeds Institute of Medical Research, University of Leeds
Classification: Likely benign for Malignant hyperthermia, susceptibility to, 1. Review status: criteria provided, single submitter. Criteria: Johnston et al. (Hum Mol Genet. 2022). Collection method: research. Allele origin: germline. Affected: no. Observed: 1 variant allele, 1 heterozygote.
Comment: ACMG/AMP PP3 this missense variant had a CADD_PHRED score of 22.9. The variant and gene (TRPC1) have not been reported before in relation to malignant hyperthermia. Considering the evidence the the variant is classified as of uncertain significance.